The following is an entry in ClinVar:

ClinVar aggregate classification (germline): Likely benign. Review status: criteria provided, multiple submitters, no conflicts (2 of 4 stars). 2 submissions from 2 submitters: Likely benign (2). Last evaluated 2025-09-15.

Conditions:
Leigh syndrome (NULS). Also called: Leigh Syndrome (mtDNA deletion); Leigh's syndrome; Leigh Disease; LEIGH SYNDROME, NUCLEAR; Subacute necrotizing encephalopathy; Necrotizing encephalopathy infantile subacute of Leigh. Identifiers: Orphanet 506, MedGen C2931891, MONDO:0009723, OMIM 256000.

Allele frequency attached by ClinVar (database versions not stated): TOPMed 0.00001.

Submissions (2):

Labcorp Genetics (formerly Invitae), Labcorp
Classification: Likely benign for Leigh syndrome. Last evaluated: 2025-09-15. Review status: criteria provided, single submitter. Criteria: Invitae Variant Classification Sherloc (09022015). Collection method: clinical testing. Allele origin: germline.

GeneDx
Classification: Likely benign. Last evaluated: 2018-04-23. Review status: criteria provided, single submitter. Criteria: GeneDx Variant Classification (06012015). Collection method: clinical testing. Allele origin: germline. Affected: yes.
Comment: This variant is considered likely benign or benign based on one or more of the following criteria: it is a conservative change, it occurs at a poorly conserved position in the protein, it is predicted to be benign by multiple in silico algorithms, and/or has population frequency not consistent with disease.

NM_003172.4(SURF1):c.323+20C>A

Gene: SURF1 (SURF1 cytochrome c oxidase assembly factor; minus strand). Cytogenetic location: 9q34.2.
Variant type: single nucleotide variant.
Coding change: c.323+20C>A on transcript NM_003172.4 (MANE Select); 20 bases into the intron after coding-DNA position 323, C replaced by A.
Molecular consequence: intron variant.
Genome position (GRCh38, 1-based): chr9:133,354,639, G>T on the plus strand (C>A on the coding strand, the complement: SURF1 is on the minus strand). VCF-style: chr9-133354639-G-T. GRCh37 (hg19) VCF-style: chr9-136221494-G-T.
Other names: c.-5+20C>A (NM_001280787.1).
Identifiers: ClinVar variation 669580 (VCV000669580.8), dbSNP rs376340323, ClinGen allele CA860710169.